The following is an entry in ClinVar:

ClinVar aggregate classification (germline): Uncertain significance. Review status: criteria provided, multiple submitters, no conflicts (2 of 4 stars). 7 submissions from 7 submitters: Uncertain significance (7). Last evaluated 2025-12-15.

Conditions:
RAD50-related disorder. Also called: RAD50-related condition.
Hereditary cancer-predisposing syndrome. Also called: Neoplastic Syndromes, Hereditary; Tumor predisposition; Hereditary Cancer Syndrome; Hereditary neoplastic syndrome. Identifiers: Orphanet 140162, MedGen C0027672, MeSH D009386, MONDO:0015356.
Nijmegen breakage syndrome-like disorder (NBSLD). Also called: MICROCEPHALY AND SPONTANEOUS CHROMOSOME INSTABILITY WITHOUT IMMUNODEFICIENCY; NBS-LIKE DISORDER; RAD50 DEFICIENCY. Identifiers: Orphanet 240760, MedGen C2751318, MONDO:0013118, OMIM 613078.
Familial cancer of breast. Also called: BREAST CANCER, FAMILIAL; hereditary breast carcinoma; Hereditary breast cancer. Identifiers: Orphanet 227535, MedGen C0346153, MONDO:0016419, OMIM 114480. Disease mechanism: loss of function.

Allele frequency attached by ClinVar (database versions not stated): ExAC 0.00002; TOPMed 0.00003; gnomAD exomes 0.00004.

Submissions (7):

Labcorp Genetics (formerly Invitae), Labcorp
Classification: Uncertain significance for Hereditary cancer-predisposing syndrome. Last evaluated: 2025-12-15. Review status: criteria provided, single submitter. Criteria: Invitae Variant Classification Sherloc (09022015). Collection method: clinical testing. Allele origin: germline.
Comment: This sequence change replaces arginine, which is basic and polar, with cysteine, which is neutral and slightly polar, at codon 224 of the RAD50 protein (p.Arg224Cys). This variant is present in population databases (rs753136372, gnomAD 0.004%). This missense change has been observed in individual(s) with breast cancer (PMID: 26094658). ClinVar contains an entry for this variant (Variation ID: 231137). Invitae Evidence Modeling of protein sequence and biophysical properties (such as structural, functional, and spatial information, amino acid conservation, physicochemical variation, residue mobility, and thermodynamic stability) indicates that this missense variant is expected to disrupt RAD50 protein function with a positive predictive value of 80%. In summary, the available evidence is currently insufficient to determine the role of this variant in disease. Therefore, it has been classified as a Variant of Uncertain Significance.

Ambry Genetics
Classification: Uncertain significance for Hereditary cancer-predisposing syndrome. Last evaluated: 2025-09-26. Review status: criteria provided, single submitter. Criteria: Ambry Variant Classification Scheme 2023. Collection method: clinical testing. Allele origin: germline.
Comment: The p.R224C variant (also known as c.670C>T), located in coding exon 5 of the RAD50 gene, results from a C to T substitution at nucleotide position 670. The arginine at codon 224 is replaced by cysteine, an amino acid with highly dissimilar properties. This amino acid position is not well conserved in available vertebrate species. In addition, this alteration is predicted to be tolerated by in silico analysis. Since supporting evidence is limited at this time, the clinical significance of this alteration remains unclear.

Quest Diagnostics Nichols Institute San Juan Capistrano
Classification: Uncertain significance. Last evaluated: 2025-02-18. Review status: criteria provided, single submitter. Criteria: Quest Diagnostics criteria. Collection method: clinical testing. Allele origin: unknown.

Baylor Genetics
Classification: Uncertain significance for Nijmegen breakage syndrome-like disorder. Last evaluated: 2024-03-15. Review status: criteria provided, single submitter. Criteria: ACMG Guidelines, 2015. Collection method: clinical testing. Allele origin: unknown.

Women's Health and Genetics/Laboratory Corporation of America, LabCorp
Classification: Uncertain significance. Last evaluated: 2023-11-20. Review status: criteria provided, single submitter. Criteria: LabCorp Variant Classification Summary - May 2015. Collection method: clinical testing. Allele origin: germline.
Comment: Variant summary: RAD50 c.670C>T (p.Arg224Cys) results in a non-conservative amino acid change located in the Rad50/SbcC-type AAA domain (IPR038729) of the encoded protein sequence. Four of five in-silico tools predict a damaging effect of the variant on protein function. The variant allele was found at a frequency of 2e-05 in 251138 control chromosomes. The available data on variant occurrences in the general population are insufficient to allow any conclusion about variant significance. c.670C>T has been reported in the literature in at-least one individual affected with non-BRCA1/2 familial breast cancer (Aloraifi_2015). In a large study evaluating breast cancer cases and controls in the Breast Cancer Association Consortium (BCAC), the variant was reported in 5/60466 cases, but was also found in 2/53461 controls (Dorling_2021 through LOVD). These report(s) do not provide unequivocal conclusions about association of the variant with Hereditary Breast And Ovarian Cancer Syndrome. To our knowledge, no experimental evidence demonstrating an impact on protein function has been reported. The following publications have been ascertained in the context of this evaluation (PMID: 26094658, 33471991). Four submitters have cited clinical-significance assessments for this variant to ClinVar after 2014. All submitters classified the variant as uncertain significance. Based on the evidence outlined above, the variant was classified as uncertain significance.

KCCC/NGS Laboratory, Kuwait Cancer Control Center
Classification: Uncertain significance for Familial cancer of breast. Last evaluated: 2023-09-13. Review status: criteria provided, single submitter. Criteria: ACMG Guidelines, 2015. Collection method: clinical testing. Allele origin: germline. Inheritance: Autosomal dominant inheritance. Affected: yes. Observed: 1 heterozygote.
Comment: This sequence change replaces arginine, which is basic and polar, with cysteine, which is neutral and slightly polar, at codon 224 of the RAD50 protein (p.Arg224Cys). This variant is present in population databases (rs753136372, gnomAD 0.004%). This missense change has been observed in individual(s) with breast cancer (PMID: 26094658). ClinVar contains an entry for this variant (Variation ID: 231137). This amino acid position is not well conserved (PhyloP=1.79) . In addition, this alteration is predicted to be tolerated by in silico analysis. In summary, the available evidence is currently insufficient to determine the role of this variant in disease. Therefore, it has been classified as a Variant of Uncertain Significance.

PreventionGenetics, part of Exact Sciences
Classification: Uncertain significance for RAD50-related condition. Last evaluated: 2023-01-23. Review status: criteria provided, single submitter. Criteria: ACMG Guidelines, 2015. Collection method: clinical testing. Allele origin: germline.
Comment: The RAD50 c.670C>T variant is predicted to result in the amino acid substitution p.Arg224Cys. This variant was reported in an individual with Breast cancer (Table S1, Aloraifi et al 2015. PubMed ID: 26094658). This variant is reported in 0.0040% of alleles in individuals of African descent in gnomAD. A different variant affecting the same amino acid (p.Arg224His) was reported in individuals with breast /ovarian cancer (Figure 1, Tommiska. 2006. PubMed ID: 16385572; Heikkinen. 2003. PubMed ID: 14684699). In ClinVar, this variant is interpreted as uncertain. At this time, the clinical significance of this variant is uncertain due to the absence of conclusive functional and genetic evidence.

Literature cited by the submitters: PubMed 26094658 (cited by 4 submitters); PubMed 32332016 (cited by Quest Diagnostics Nichols Institute San Juan Capistrano); PubMed 33471991 (cited by Quest Diagnostics Nichols Institute San Juan Capistrano and Women's Health and Genetics/Laboratory Corporation of America, LabCorp).

NM_005732.4(RAD50):c.670C>T (p.Arg224Cys)

Gene: RAD50 (RAD50 double strand break repair protein; plus strand). Cytogenetic location: 5q31.1.
Variant type: single nucleotide variant.
Coding change: c.670C>T on transcript NM_005732.4 (MANE Select); coding-DNA position 670, C replaced by T.
Protein change: p.Arg224Cys; replaces arginine 224 with cysteine.
Molecular consequence: missense variant.
Genome position (GRCh38, 1-based): chr5:132,579,980, C>T. VCF-style: chr5-132579980-C-T. GRCh37 (hg19) VCF-style: chr5-131915672-C-T.
Other names: short protein forms R224C.
Identifiers: ClinVar variation 231137 (VCV000231137.25), dbSNP rs753136372, ClinGen allele CA3405009.